The following is an entry in ClinVar:

NM_032444.4(SLX4):c.1334G>A (p.Ser445Asn)

Gene: SLX4 (SLX4 structure-specific endonuclease subunit; minus strand). Cytogenetic location: 16p13.3.
Variant type: single nucleotide variant.
Coding change: c.1334G>A on transcript NM_032444.4 (MANE Select); coding-DNA position 1334, G replaced by A.
Protein change: p.Ser445Asn; replaces serine 445 with asparagine.
Molecular consequence: missense variant.
Genome position (GRCh38, 1-based): chr16:3,597,829, C>T on the plus strand (G>A on the coding strand, the complement: SLX4 is on the minus strand). VCF-style: chr16-3597829-C-T. GRCh37 (hg19) VCF-style: chr16-3647830-C-T.
Other names: short protein forms S445N.
Identifiers: ClinVar variation 1415138 (VCV001415138.8), dbSNP rs2151131780, ClinGen allele CA394529317.

ClinVar aggregate classification (germline): Uncertain significance (1 of 4 stars; one submission).

Conditions:
Fanconi anemia (FA). Also called: Fanconi's anemia. Identifiers: Orphanet 84, MedGen C0015625, MeSH D005199, MONDO:0019391.

Submission:

Labcorp Genetics (formerly Invitae), Labcorp
Classification: Uncertain significance for Fanconi anemia. Last evaluated: 2021-03-29. Review status: criteria provided, single submitter. Criteria: Invitae Variant Classification Sherloc (09022015). Collection method: clinical testing. Allele origin: germline.
Comment: This variant has not been reported in the literature in individuals with SLX4-related conditions. In summary, the available evidence is currently insufficient to determine the role of this variant in disease. Therefore, it has been classified as a Variant of Uncertain Significance. Algorithms developed to predict the effect of missense changes on protein structure and function output the following: SIFT: "Tolerated"; PolyPhen-2: "Benign"; Align-GVGD: "Class C0". The asparagine amino acid residue is found in multiple mammalian species, suggesting that this missense change does not adversely affect protein function. These predictions have not been confirmed by published functional studies and their clinical significance is uncertain. This variant is not present in population databases (ExAC no frequency). This sequence change replaces serine with asparagine at codon 445 of the SLX4 protein (p.Ser445Asn). The serine residue is weakly conserved and there is a small physicochemical difference between serine and asparagine.